The following is an entry in ClinVar:

ClinVar aggregate classification (germline): Benign/Likely benign. Review status: criteria provided, multiple submitters, no conflicts (2 of 4 stars). 3 submissions from 3 submitters: Benign (1); Likely benign (2). Last evaluated 2025-11-13.

Conditions:
Intellectual developmental disorder, autosomal dominant 1. Also called: Intellectual disability, autosomal dominant 1; MBD5 Haploinsufficiency. Identifiers: Orphanet 228402, MedGen C1969562, MONDO:0007974, OMIM 156200.

Allele frequency attached by ClinVar (database versions not stated): TOPMed 0.00010; ExAC 0.00011; gnomAD 0.00011; gnomAD exomes 0.00011 and 0.00039; ESP Exome Variant Server 0.00031.
gnomAD v4.1: 565 of 1,613,082 alleles (0.035%); highest among the groups gnomAD compares: Non-Finnish European, 0.047%; 1 homozygote.

Submissions (3):

Labcorp Genetics (formerly Invitae), Labcorp
Classification: Likely benign for Intellectual developmental disorder, autosomal dominant 1. Last evaluated: 2025-11-13. Review status: criteria provided, single submitter. Criteria: Invitae Variant Classification Sherloc (09022015). Collection method: clinical testing. Allele origin: germline.

Blueprint Genetics
Classification: Likely benign. Last evaluated: 2024-07-16. Review status: criteria provided, single submitter. Criteria: ACMG Guidelines, 2015. Collection method: clinical testing. Allele origin: germline.

GeneDx
Classification: Benign. Last evaluated: 2014-12-31. Review status: criteria provided, single submitter. Criteria: GeneDx Variant Classification (06012015). Collection method: clinical testing. Allele origin: germline. Affected: yes.
Comment: This variant is considered likely benign or benign based on one or more of the following criteria: it is a conservative change, it occurs at a poorly conserved position in the protein, it is predicted to be benign by multiple in silico algorithms, and/or has population frequency not consistent with disease.

NM_001378120.1(MBD5):c.217-16G>C

Gene: MBD5 (methyl-CpG binding domain protein 5; plus strand). Cytogenetic location: 2q23.1.
Variant type: single nucleotide variant.
Coding change: c.217-16G>C on transcript NM_001378120.1 (MANE Select); 16 bases into the intron before coding-DNA position 217, G replaced by C.
Molecular consequence: intron variant.
Genome position (GRCh38, 1-based): chr2:148,463,723, G>C. VCF-style: chr2-148463723-G-C. GRCh37 (hg19) VCF-style: chr2-149221292-G-C.
Other names: c.217-16G>C (NM_018328.5).
Identifiers: ClinVar variation 206050 (VCV000206050.12), dbSNP rs377517776, ClinGen allele CA315759.